The following is an entry in ClinVar:

ClinVar aggregate classification (germline): Uncertain significance (1 of 4 stars; one submission).

Conditions:
Hereditary spastic paraplegia 7 (SPG7). Also called: SPG7-related neurologic disorder; Autosomal recessive spastic paraplegia type 7; Spastic paraplegia 7; Hereditary spastic paraplegia Paraplegin type; SPASTIC PARAPLEGIA 7, AUTOSOMAL RECESSIVE, WITH OR WITHOUT CEREBELLAR ATAXIA. Identifiers: Orphanet 99013, MedGen C1846564, MONDO:0011803, OMIM 607259.

Submission:

MVZ Medizinische Genetik Mainz
Classification: Uncertain significance for Hereditary spastic paraplegia 7. Last evaluated: 2023-03-10. Review status: criteria provided, single submitter. Criteria: UK Practice Guidelines For Variant Classification V4 01 2020. Collection method: clinical testing. Allele origin: germline. Inheritance: Autosomal recessive inheritance. Affected: yes. Observed: 1 variant allele.
Comment: ACMG Criteria: PM1,PP3_MOD,PM2_SUP

NM_003119.4(SPG7):c.1853C>T (p.Thr618Ile)

Gene: SPG7 (SPG7 matrix AAA peptidase subunit, paraplegin; plus strand). Cytogenetic location: 16q24.3.
Variant type: single nucleotide variant.
Coding change: c.1853C>T on transcript NM_003119.4 (MANE Select); coding-DNA position 1853, C replaced by T.
Protein change: p.Thr618Ile; replaces threonine 618 with isoleucine.
Molecular consequence: missense variant.
Genome position (GRCh38, 1-based): chr16:89,553,052, C>T. VCF-style: chr16-89553052-C-T. GRCh37 (hg19) VCF-style: chr16-89619460-C-T.
Other names: c.1853C>T, p.Thr618Ile (NM_001363850.1); short protein forms T618I.
Identifiers: ClinVar variation 3066377 (VCV003066377.1), dbSNP rs1189687320, ClinGen allele CA397432679.
Genomic context (GRCh38, chr16:89,553,052, plus strand): 5'-CTCGGACAAACGCCGCCCTGGGCTTTGCTCAGATGCTCCCCAGAGACCAGCACCTCTTCA[C>T]CAAGGAGCAGCTGTTTGAGCGGATGTGCATGGCCCTGGGAGGACGGGCCTCGGAAGCACT-3'
Protein context (NP_003110.1, residues 608-628): QMLPRDQHLF[Thr618Ile]KEQLFERMCM